The following is an entry in ClinVar:

ClinVar aggregate classification (germline): Benign/Likely benign. Review status: criteria provided, multiple submitters, no conflicts (2 of 4 stars). 8 submissions from 8 submitters: Benign (5); Likely benign (1). 2 of the submissions do not count toward it. Last evaluated 2026-02-04.

Conditions:
Microcephalic primordial dwarfism due to RTTN deficiency (MSSP). Also called: Microcephaly, short stature, and polymicrogyria with or without seizures; MICROCEPHALY, SHORT STATURE, AND POLYMICROGYRIA. Identifiers: Orphanet 468631, MedGen C3553831, MONDO:0018764, OMIM 614833.

Submissions (8):

Labcorp Genetics (formerly Invitae), Labcorp
Classification: Benign. Last evaluated: 2026-02-04. Review status: criteria provided, single submitter. Criteria: Invitae Variant Classification Sherloc (09022015). Collection method: clinical testing. Allele origin: germline.

Blueprint Genetics
Classification: Likely benign. Last evaluated: 2024-11-28. Review status: criteria provided, single submitter. Criteria: ACMG Guidelines, 2015. Collection method: clinical testing. Allele origin: germline.

Genome-Nilou Lab
Classification: Benign for Microcephalic primordial dwarfism due to RTTN deficiency. Last evaluated: 2021-11-07. Review status: criteria provided, single submitter. Criteria: ACMG Guidelines, 2015. Collection method: clinical testing. Allele origin: germline. Affected: no.

Mendelics
Classification: Benign. Last evaluated: 2019-05-28. Review status: criteria provided, single submitter. Criteria: Mendelics Assertion Criteria 2017. Collection method: clinical testing. Allele origin: unknown.

GeneDx
Classification: Benign. Last evaluated: 2018-06-06. Review status: criteria provided, single submitter. Criteria: GeneDx Variant Classification Process June 2021. Collection method: clinical testing. Allele origin: germline. Affected: yes.

Laboratory for Molecular Medicine, Mass General Brigham Personalized Medicine
Classification: Benign. Last evaluated: 2016-03-29. Review status: criteria provided, single submitter. Criteria: LMM Criteria. Collection method: clinical testing. Allele origin: germline.
Comment: Variant identified in a genome or exome case(s) and assessed due to predicted null impact of the variant or pathogenic assertions in the literature or databases. Disclaimer: This variant has not undergone full assessment. The following are preliminary notes: Frequency

Clinical Genetics DNA and cytogenetics Diagnostics Lab, Erasmus MC, Erasmus Medical Center
Classification: Benign. Review status: no assertion criteria provided. Collection method: clinical testing. Allele origin: germline. Affected: yes. Study: VKGL Data-share Consensus. Not counted in ClinVar's aggregate classification.

Diagnostic Laboratory, Department of Genetics, University Medical Center Groningen
Classification: Benign. Review status: no assertion criteria provided. Collection method: clinical testing. Allele origin: germline. Affected: yes. Study: VKGL Data-share Consensus. Not counted in ClinVar's aggregate classification.

NM_173630.4(RTTN):c.725_727dup (p.Gly242dup)

Gene: RTTN (rotatin; minus strand). Cytogenetic location: 18q22.2.
Variant type: Duplication.
Coding change: c.725_727dup on transcript NM_173630.4 (MANE Select); coding-DNA positions 725 to 727, 3 bases duplicated (GAG; older notation c.725_727dupGAG).
Protein change: p.Gly242dup; duplicates glycine 242.
Molecular consequence: inframe insertion. On other transcripts: 5 prime UTR variant (1).
Genome position (GRCh38, 1-based): chr18:70,196,615-70,196,617, CTC duplicated on the plus strand (GAG on the coding strand, the reverse complement: RTTN is on the minus strand); duplicating any 3 consecutive bases within chr18:70,196,615-70,196,618 gives the same sequence; the c. name uses the placement nearest the transcript's 3' end. VCF-style (leftmost placement, unchanged base first): chr18-70196614-T-TCTC. GRCh37 (hg19) VCF-style: chr18-67863850-T-TCTC.
Other names: c.-1829_-1827dup (NM_001318520.2); c.725_727dupGAG (NM_173630.3).
Identifiers: ClinVar variation 327761 (VCV000327761.25), dbSNP rs58913700, ClinGen allele CA8996378.
Genomic context (GRCh38, chr18:70,196,614, plus strand): 5'-AAATACATGCACAGCTGCTGCAGGCAGGACACCGACTGTAATGCCAGGCGATGCTTTCCA[T>TCTC]CTCCAAAGGCCAGTTTCAACAGAGATAAAAGGCTCTGAAATCAAGAAGAGCCGTGAAAAT-3'